The following is an entry in ClinVar:

NM_002778.4(PSAP):c.-7C>T

Gene: PSAP (prosaposin; minus strand). Cytogenetic location: 10q22.1.
Variant type: single nucleotide variant.
Coding change: c.-7C>T on transcript NM_002778.4 (MANE Select); 7 bases upstream of the start codon, C replaced by T.
Molecular consequence: 5 prime UTR variant.
Genome position (GRCh38, 1-based): chr10:71,851,228, G>A on the plus strand (C>T on the coding strand, the complement: PSAP is on the minus strand). VCF-style: chr10-71851228-G-A. GRCh37 (hg19) VCF-style: chr10-73610985-G-A.
Other names: NM_001042466.3:c.-7C>T; c.-7C>T (NM_001042465.3, NM_001042466.3).
Identifiers: ClinVar variation 3363989 (VCV003363989.1).
Genomic context (GRCh38, chr10:71,851,228, plus strand): 5'-GTCCCAGGGCTTACCCGCGCCCAGGAGGCTGGCCAGGAGGAAGAGGGCGTACATAGCGCC[G>A]TCTGACTCCGCAGTCTGCAATGCGGAGCGTCAGCTGATCCCCCGCAGATATAAATCTGCC-3'

ClinVar aggregate classification (germline): Uncertain significance. Review status: criteria provided, multiple submitters, no conflicts (2 of 4 stars). 2 submissions from 2 submitters: Uncertain significance (2). Last evaluated 2024-11-27.

Conditions:
Neuromuscular disease. Also called: Neuromuscular disorder; Neuromyopathy. Identifiers: Orphanet 68381, MedGen C0027868, MeSH D009468, MONDO:0019056.

gnomAD v4.1: 28 of 1,550,864 alleles (0.0018%); highest among the groups gnomAD compares: Admixed American, 0.0059%; no homozygotes.

Submissions (2):

Broad Center for Mendelian Genomics, Broad Institute of MIT and Harvard
Classification: Uncertain significance for Neuromuscular disease. Last evaluated: 2024-11-27. Review status: criteria provided, single submitter. Criteria: ACMG Guidelines, 2015. Collection method: curation. Allele origin: germline. Inheritance: Autosomal recessive inheritance. Study: GREGoR Consortium.
Comment: While this gene is still lacking sufficient evidence, we believe this is a possible phenotypic expansion. Given the limited information about this gene-disease relationship, the significance of the c.-7C>T variant is uncertain. If you have any additional information about functional evidence or other individuals with this phenotype that also have variants in PSAP we encourage you to reach out to us.

GeneDx
Classification: Uncertain significance. Last evaluated: 2023-11-06. Review status: criteria provided, single submitter. Criteria: GeneDx Variant Classification Process June 2021. Collection method: clinical testing. Allele origin: germline. Affected: yes.
Comment: Not observed at significant frequency in large population cohorts (gnomAD); Has not been previously published as pathogenic or benign to our knowledge